The following is an entry in ClinVar:

ClinVar aggregate classification (germline): Uncertain significance. Review status: criteria provided, multiple submitters, no conflicts (2 of 4 stars). 2 submissions from 2 submitters: Uncertain significance (2). Last evaluated 2025-07-21.

Conditions:
Hereditary cancer-predisposing syndrome. Also called: Neoplastic Syndromes, Hereditary; Tumor predisposition; Hereditary neoplastic syndrome; Hereditary Cancer Syndrome. Identifiers: Orphanet 140162, MedGen C0027672, MeSH D009386, MONDO:0015356.

Allele frequency attached by ClinVar (database versions not stated): TOPMed 0.00004; gnomAD 0.00001.
gnomAD v4.1: 2 of 1,613,886 alleles (0.00012%); highest among the groups gnomAD compares: Admixed American, 0.0033%; no homozygotes.

Submissions (2):

Dasa
Classification: Uncertain significance. Last evaluated: 2025-07-21. Review status: criteria provided, single submitter. Criteria: DASA Assertion Criteria. Collection method: clinical testing. Allele origin: germline.
Comment: NM_177438.3(DICER1):c.1477C>G (p.Gln493Glu) is a missense variant that results in the substitution of glutamine with glutamic acid. This variant is rare in population databases. Computational prediction algorithms are consistent with a benign effect. The currently available literature and clinical evidence are not sufficient to establish a definitive association between this variant and the reported condition. Therefore, this variant is classified as a variant of uncertain significance.

Ambry Genetics
Classification: Uncertain significance for Hereditary cancer-predisposing syndrome. Last evaluated: 2021-07-22. Review status: criteria provided, single submitter. Criteria: Ambry Variant Classification Scheme 2023. Collection method: clinical testing. Allele origin: germline.
Comment: The p.Q493E variant (also known as c.1477C>G), located in coding exon 8 of the DICER1 gene, results from a C to G substitution at nucleotide position 1477. The glutamine at codon 493 is replaced by glutamic acid, an amino acid with highly similar properties. This amino acid position is highly conserved in available vertebrate species. In addition, this alteration is predicted to be tolerated by in silico analysis. Since supporting evidence is limited at this time, the clinical significance of this alteration remains unclear.

NM_177438.3(DICER1):c.1477C>G (p.Gln493Glu)

Gene: DICER1 (dicer 1, ribonuclease III; minus strand). Cytogenetic location: 14q32.13.
Variant type: single nucleotide variant.
Coding change: c.1477C>G on transcript NM_177438.3 (MANE Select); coding-DNA position 1477, C replaced by G.
Protein change: p.Gln493Glu; replaces glutamine 493 with glutamic acid.
Molecular consequence: missense variant. On other transcripts: 5 prime UTR variant (1), non-coding transcript variant (6).
Genome position (GRCh38, 1-based): chr14:95,117,654, G>C on the plus strand (C>G on the coding strand, the complement: DICER1 is on the minus strand). VCF-style: chr14-95117654-G-C. GRCh37 (hg19) VCF-style: chr14-95583991-G-C.
Other names: c.1477C>G, p.Gln493Glu (NM_001195573.1, NM_001271282.3, NM_001291628.2 and 13 more transcripts); c.1195C>G, p.Gln399Glu (NM_001395686.1); c.1072C>G, p.Gln358Glu (NM_001395687.1, NM_001395688.1, NM_001395689.1 and 3 more transcripts); c.910C>G, p.Gln304Glu (NM_001395691.1); c.-92C>G (NM_001395697.1); short protein forms Q304E, Q358E, Q399E, Q493E.
Identifiers: ClinVar variation 1773479 (VCV001773479.4), dbSNP rs1184987398, ClinGen allele CA390885487.